The following is an entry in ClinVar:

ClinVar aggregate classification (germline): Likely pathogenic (1 of 4 stars; one submission).

Submission:

Labcorp Genetics (formerly Invitae), Labcorp
Classification: Likely pathogenic. Last evaluated: 2022-03-16. Review status: criteria provided, single submitter. Criteria: Invitae Variant Classification Sherloc (09022015). Collection method: clinical testing. Allele origin: germline.
Comment: In summary, the currently available evidence indicates that the variant is pathogenic, but additional data are needed to prove that conclusively. Therefore, this variant has been classified as Likely Pathogenic. This variant disrupts the p.Phe69 amino acid residue in GJB2. Other variant(s) that disrupt this residue have been determined to be pathogenic (PMID: 28405014). This suggests that this residue is clinically significant, and that variants that disrupt this residue are likely to be disease-causing. Advanced modeling of protein sequence and biophysical properties (such as structural, functional, and spatial information, amino acid conservation, physicochemical variation, residue mobility, and thermodynamic stability) performed at Invitae indicates that this missense variant is expected to disrupt GJB2 protein function. This variant has not been reported in the literature in individuals affected with GJB2-related conditions. This variant is not present in population databases (gnomAD no frequency). This sequence change replaces phenylalanine, which is neutral and non-polar, with serine, which is neutral and polar, at codon 69 of the GJB2 protein (p.Phe69Ser).

Literature cited by the submitters: PubMed 28405014.

NM_004004.6(GJB2):c.206T>C (p.Phe69Ser)

Gene: GJB2 (gap junction protein beta 2; minus strand). Cytogenetic location: 13q12.11.
Variant type: single nucleotide variant.
Coding change: c.206T>C on transcript NM_004004.6 (MANE Select); coding-DNA position 206, T replaced by C.
Protein change: p.Phe69Ser; replaces phenylalanine 69 with serine.
Molecular consequence: missense variant.
Genome position (GRCh38, 1-based): chr13:20,189,376, A>G on the plus strand (T>C on the coding strand, the complement: GJB2 is on the minus strand). VCF-style: chr13-20189376-A-G. GRCh37 (hg19) VCF-style: chr13-20763515-A-G.
Other names: short protein forms F69S.
Identifiers: ClinVar variation 1996266 (VCV001996266.4), dbSNP rs2500252236, ClinGen allele CA387461622.
Genomic context (GRCh38, chr13:20,189,376, plus strand): 5'-AGCGCTGGCGTGGACACGAAGATCAGCTGCAGGGCCCATAGCCGGATGTGGGAGATGGGG[A>G]AGTAGTGATCGTAGCACACGTTCTTGCAGCCTGGCTGCAGGGTGTTGCAGACAAAGTCGG-3'
Protein context (NP_003995.2, residues 59-79): GCKNVCYDHY[Phe69Ser]PISHIRLWAL